The following is an entry in ClinVar:

ClinVar aggregate classification (germline): Uncertain significance. Review status: criteria provided, multiple submitters, no conflicts (2 of 4 stars). 2 submissions from 2 submitters: Uncertain significance (2). Last evaluated 2025-01-27.

Conditions:
Immunodeficiency 67. Also called: Immunodeficiency due to interleukin-1 receptor-associated kinase-4 deficiency. Identifiers: Orphanet 70592, MedGen C1843256, MONDO:0011888, OMIM 607676.

Allele frequency attached by ClinVar (database versions not stated): gnomAD exomes below 0.00001 and 0.00001; gnomAD 0.00001 and 0.00067; TOPMed 0.00089.
gnomAD v4.1: 101 of 1,613,536 alleles (0.0063%); highest among the groups gnomAD compares: Non-Finnish European, 0.00076%; 3 homozygotes.

Submissions (2):

Labcorp Genetics (formerly Invitae), Labcorp
Classification: Uncertain significance for Immunodeficiency 67. Last evaluated: 2025-01-27. Review status: criteria provided, single submitter. Criteria: Invitae Variant Classification Sherloc (09022015). Collection method: clinical testing. Allele origin: germline.
Comment: This sequence change replaces glutamic acid, which is acidic and polar, with lysine, which is basic and polar, at codon 116 of the IRAK4 protein (p.Glu116Lys). This variant is present in population databases (rs62642475, gnomAD 0.002%). This variant has not been reported in the literature in individuals affected with IRAK4-related conditions. ClinVar contains an entry for this variant (Variation ID: 934104). An algorithm developed to predict the effect of missense changes on protein structure and function (PolyPhen-2) suggests that this variant¬†is likely to be tolerated. In summary, the available evidence is currently insufficient to determine the role of this variant in disease. Therefore, it has been classified as a Variant of Uncertain Significance.

Neuberg Centre For Genomic Medicine, NCGM
Classification: Uncertain significance for Immunodeficiency 67. Review status: criteria provided, single submitter. Criteria: ACMG Guidelines, 2015. Collection method: clinical testing. Allele origin: germline. Inheritance: Autosomal recessive inheritance. Affected: yes.
Comment: The missense c.346G>A (p.Glu116Lys) variant in IRAK4 gene has not been reported previously as a pathogenic variant nor as a benign variant, to our knowledge. This variant is reported with an allele frequency of 0.0004% in the gnomAD exomes database. This variant has been reported to the ClinVar database as Uncertain Significance. The amino acid change p.Glu116Lys in IRAK4 is predicted as conserved by GERP++ and PhyloP across 100 vertebrates. The amino acid Glu at position 116 is changed to a Lys changing protein sequence and it might alter its composition and physico-chemical properties. For these reasons, this variant has been classified as a Variant of Uncertain Significance (VUS).

NM_016123.4(IRAK4):c.346G>A (p.Glu116Lys)

Gene: IRAK4 (interleukin 1 receptor associated kinase 4; plus strand). Cytogenetic location: 12q12.
Variant type: single nucleotide variant.
Coding change: c.346G>A on transcript NM_016123.4 (MANE Select); coding-DNA position 346, G replaced by A.
Protein change: p.Glu116Lys; replaces glutamic acid 116 with lysine.
Molecular consequence: missense variant. On other transcripts: 5 prime UTR variant (10).
Genome position (GRCh38, 1-based): chr12:43,772,218, G>A. VCF-style: chr12-43772218-G-A. GRCh37 (hg19) VCF-style: chr12-44166021-G-A.
Other names: c.346G>A, p.Glu116Lys (NM_001114182.3, NM_001351345.2); c.-27G>A (NM_001145256.2, NM_001145257.2, NM_001145258.2 and 5 more transcripts); c.-178G>A (NM_001351343.2, NM_001351344.2); short protein forms E116K.
Identifiers: ClinVar variation 934104 (VCV000934104.8), dbSNP rs62642475, ClinGen allele CA236371739.